The following is an entry in ClinVar:

ClinVar aggregate classification (germline): Likely benign. Review status: criteria provided, multiple submitters, no conflicts (2 of 4 stars). 3 submissions from 3 submitters: Likely benign (3). Last evaluated 2026-01-12.

Conditions:
Inborn genetic diseases. Identifiers: MedGen C0950123, MeSH D030342.
Familial hemiplegic migraine. Identifiers: MedGen C0338484, MONDO:0000700.

Allele frequency attached by ClinVar (database versions not stated): gnomAD 0.00001; gnomAD exomes 0.00001 and 0.00002; ExAC 0.00002.
gnomAD v4.1: 28 of 1,614,074 alleles (0.0017%); highest among the groups gnomAD compares: Admixed American, 0.0067%; no homozygotes.

Submissions (3):

Labcorp Genetics (formerly Invitae), Labcorp
Classification: Likely benign for Familial hemiplegic migraine. Last evaluated: 2026-01-12. Review status: criteria provided, single submitter. Criteria: Invitae Variant Classification Sherloc (09022015). Collection method: clinical testing. Allele origin: germline.

CeGaT Center for Human Genetics Tuebingen
Classification: Likely benign. Last evaluated: 2022-05-01. Review status: criteria provided, single submitter. Criteria: CeGaT Center For Human Genetics Tuebingen Variant Classification Criteria Version 2. Collection method: clinical testing. Allele origin: germline. Affected: yes. Observed: 1 variant allele.
Comment: ATP1A2: BP4, BP7

Ambry Genetics
Classification: Likely benign for Inborn genetic diseases. Last evaluated: 2020-03-17. Review status: criteria provided, single submitter. Criteria: Ambry Variant Classification Scheme 2023. Collection method: clinical testing. Allele origin: germline.

NM_000702.4(ATP1A2):c.1881C>T (p.Gly627=)

Gene: ATP1A2 (ATPase Na+/K+ transporting subunit alpha 2; plus strand). Cytogenetic location: 1q23.2.
Variant type: single nucleotide variant.
Coding change: c.1881C>T on transcript NM_000702.4 (MANE Select); coding-DNA position 1881, C replaced by T.
Protein change: p.Gly627=; no amino-acid change (glycine 627 retained).
Molecular consequence: synonymous variant.
Genome position (GRCh38, 1-based): chr1:160,134,537, C>T. VCF-style: chr1-160134537-C-T. GRCh37 (hg19) VCF-style: chr1-160104327-C-T.
Identifiers: ClinVar variation 580101 (VCV000580101.35), dbSNP rs775031080, ClinGen allele CA1194603.